The following is an entry in ClinVar:

NM_004456.5(EZH2):c.619C>T (p.Arg207Ter)

Gene: EZH2 (enhancer of zeste 2 polycomb repressive complex 2 subunit; minus strand). Cytogenetic location: 7q36.1.
Variant type: single nucleotide variant.
Coding change: c.619C>T on transcript NM_004456.5 (MANE Select); coding-DNA position 619, C replaced by T.
Protein change: p.Arg207Ter; replaces arginine 207 with a stop codon.
Molecular consequence: nonsense.
Genome position (GRCh38, 1-based): chr7:148,828,746, G>A on the plus strand (C>T on the coding strand, the complement: EZH2 is on the minus strand). VCF-style: chr7-148828746-G-A. GRCh37 (hg19) VCF-style: chr7-148525838-G-A.
Other names: c.619C>T, p.Arg207Ter (NM_001203247.2); c.592C>T, p.Arg198Ter (NM_001203248.2, NM_001203249.2); c.502C>T, p.Arg168Ter (NM_152998.3); short protein forms R207*, R198*, R168*.
Identifiers: ClinVar variation 431816 (VCV000431816.3), dbSNP rs1554498830, ClinGen allele CA369720052.
Genomic context (GRCh38, chr7:148,828,746, plus strand): 5'-TGTTTTTGAAAGAAAGCTGTAATGGCTACACAGAATCCTAATAATCAGGCATACCATCTC[G>A]GTGATCCTCCAGATCTTTCTGCTTTTCTTCTCTTTCTTCAGGATCGTCTCCATCATCATC-3'

ClinVar aggregate classification (germline): Uncertain significance (1 of 4 stars; one submission).

gnomAD v4.1: 1 of 1,612,684 alleles (0.000062%); highest among the groups gnomAD compares: Non-Finnish European, 0.000085%; no homozygotes.

Submission:

GeneDx
Classification: Uncertain significance. Last evaluated: 2020-04-13. Review status: criteria provided, single submitter. Criteria: GeneDx Variant Classification Process June 2021. Collection method: clinical testing. Allele origin: germline. Affected: yes.
Comment: This variant has not been reported previously in association with Weaver syndrome; however it has been reported in individuals with acute myeloid leukemia (McGraw et al., 2019; Stasik et al., 2019).; Not observed in large population cohorts (Lek et al., 2016); Nonsense variant predicted to result in protein truncation or nonsense mediated decay in a gene for which loss-of-function is not a known mechanism of disease; This variant is associated with the following publications: (PMID: 29359794, 31413097)